The following is an entry in ClinVar:

ClinVar aggregate classification (germline): Uncertain significance (1 of 4 stars; one submission).

Submission:

Labcorp Genetics (formerly Invitae), Labcorp
Classification: Uncertain significance. Last evaluated: 2021-11-30. Review status: criteria provided, single submitter. Criteria: Invitae Variant Classification Sherloc (09022015). Collection method: clinical testing. Allele origin: germline.
Comment: In summary, the available evidence is currently insufficient to determine the role of this variant in disease. Therefore, it has been classified as a Variant of Uncertain Significance. Algorithms developed to predict the effect of missense changes on protein structure and function are either unavailable or do not agree on the potential impact of this missense change (SIFT: "Deleterious"; PolyPhen-2: "Benign"; Align-GVGD: "Class C15"). This variant has not been reported in the literature in individuals affected with CACNA1D-related conditions. This variant is not present in population databases (gnomAD no frequency). This sequence change replaces lysine, which is basic and polar, with glutamic acid, which is acidic and polar, at codon 1282 of the CACNA1D protein (p.Lys1282Glu).

NM_001128840.3(CACNA1D):c.3784A>G (p.Lys1262Glu)

Gene: CACNA1D (calcium voltage-gated channel subunit alpha1 D; plus strand). Cytogenetic location: 3p21.1.
Variant type: single nucleotide variant.
Coding change: c.3784A>G on transcript NM_001128840.3 (MANE Select); coding-DNA position 3784, A replaced by G.
Protein change: p.Lys1262Glu; replaces lysine 1262 with glutamic acid.
Molecular consequence: missense variant.
Genome position (GRCh38, 1-based): chr3:53,753,680, A>G. VCF-style: chr3-53753680-A-G. GRCh37 (hg19) VCF-style: chr3-53787707-A-G.
Other names: c.3844A>G, p.Lys1282Glu (NM_000720.4); c.3784A>G, p.Lys1262Glu (NM_001128839.3); short protein forms K1282E, K1262E.
Identifiers: ClinVar variation 1471391 (VCV001471391.6), dbSNP rs2108892143, ClinGen allele CA353251970.